The following is an entry in ClinVar:

NM_182961.4(SYNE1):c.10926G>A (p.Lys3642=)

Gene: SYNE1 (spectrin repeat containing nuclear envelope protein 1; minus strand). Cytogenetic location: 6q25.2.
Variant type: single nucleotide variant.
Coding change: c.10926G>A on transcript NM_182961.4 (MANE Select); coding-DNA position 10926, G replaced by A.
Protein change: p.Lys3642=; no amino-acid change (lysine 3642 retained).
Molecular consequence: synonymous variant. On other transcripts: intron variant (1).
Genome position (GRCh38, 1-based): chr6:152,354,659, C>T on the plus strand (G>A on the coding strand, the complement: SYNE1 is on the minus strand). VCF-style: chr6-152354659-C-T. GRCh37 (hg19) VCF-style: chr6-152675794-C-T.
Other names: c.10881+66G>A (NM_033071.5).
Identifiers: ClinVar variation 1308749 (VCV001308749.2), dbSNP rs2096802923, ClinGen allele CA452752520.

ClinVar aggregate classification (germline): Uncertain significance (1 of 4 stars; one submission).

Allele frequency attached by ClinVar (database versions not stated): gnomAD exomes 0.00001.
gnomAD v4.1: 7 of 1,614,050 alleles (0.00043%); highest among the groups gnomAD compares: Non-Finnish European, 0.00059%; no homozygotes.

Submission:

GeneDx
Classification: Uncertain significance. Last evaluated: 2019-10-04. Review status: criteria provided, single submitter. Criteria: GeneDx Variant Classification Process June 2021. Collection method: clinical testing. Allele origin: germline. Affected: yes.
Comment: Has not been previously published as pathogenic or benign to our knowledge; Splice algorithms predict this variant destroys the natural splice donor site in intron 67, and is predicted to result in an in-frame deletion of exon 67; Not observed in large population cohorts (Lek et al., 2016)